The following is an entry in ClinVar:

ClinVar aggregate classification (germline): Uncertain significance. Review status: criteria provided, multiple submitters, no conflicts (2 of 4 stars). 2 submissions from 2 submitters: Uncertain significance (2). Last evaluated 2025-08-26.

Conditions:
DNA ligase IV deficiency. Identifiers: Orphanet 99812, MedGen C1847827, MONDO:0011686, OMIM 606593.

Allele frequency attached by ClinVar (database versions not stated): gnomAD 0.00004; TOPMed 0.00006; ESP Exome Variant Server 0.00008.
gnomAD v4.1: 30 of 1,614,058 alleles (0.0019%); highest among the groups gnomAD compares: Middle Eastern, 0.033%; no homozygotes.

Submissions (2):

Labcorp Genetics (formerly Invitae), Labcorp
Classification: Uncertain significance for DNA ligase IV deficiency. Last evaluated: 2025-08-26. Review status: criteria provided, single submitter. Criteria: Invitae Variant Classification Sherloc (09022015). Collection method: clinical testing. Allele origin: germline.
Comment: This sequence change replaces tyrosine, which is neutral and polar, with histidine, which is basic and polar, at codon 823 of the LIG4 protein (p.Tyr823His). This variant is present in population databases (rs376657998, gnomAD 0.02%). This variant has not been reported in the literature in individuals affected with LIG4-related conditions. ClinVar contains an entry for this variant (Variation ID: 1047035). Invitae Evidence Modeling of protein sequence and biophysical properties (such as structural, functional, and spatial information, amino acid conservation, physicochemical variation, residue mobility, and thermodynamic stability) has been performed for this missense variant. However, the output from this modeling did not meet the statistical confidence thresholds required to predict the impact of this variant on LIG4 protein function. In summary, the available evidence is currently insufficient to determine the role of this variant in disease. Therefore, it has been classified as a Variant of Uncertain Significance.

Mayo Clinic Laboratories, Mayo Clinic
Classification: Uncertain significance. Last evaluated: 2024-03-18. Review status: criteria provided, single submitter. Criteria: ACMG Guidelines, 2015. Collection method: clinical testing. Allele origin: germline. Observed: 1 variant allele.

NM_206937.2(LIG4):c.2467T>C (p.Tyr823His)

Gene: LIG4 (DNA ligase 4; minus strand). Cytogenetic location: 13q33.3.
Variant type: single nucleotide variant.
Coding change: c.2467T>C on transcript NM_206937.2 (MANE Select); coding-DNA position 2467, T replaced by C.
Protein change: p.Tyr823His; replaces tyrosine 823 with histidine.
Molecular consequence: missense variant.
Genome position (GRCh38, 1-based): chr13:108,208,802, A>G on the plus strand (T>C on the coding strand, the complement: LIG4 is on the minus strand). VCF-style: chr13-108208802-A-G. GRCh37 (hg19) VCF-style: chr13-108861150-A-G.
Other names: p.Tyr823His; c.2467T>C, p.Tyr823His (NM_001098268.2, NM_001352598.2, NM_001352599.2 and 6 more transcripts); c.2266T>C, p.Tyr756His (NM_001330595.2); c.2503T>C, p.Tyr835His (NM_001352604.2); short protein forms Y756H, Y823H, Y835H.
Identifiers: ClinVar variation 1047035 (VCV001047035.6), dbSNP rs376657998, ClinGen allele CA7043487.